The following is an entry in ClinVar:

ClinVar aggregate classification (germline): Uncertain significance (1 of 4 stars; one submission).

Conditions:
Inborn genetic diseases. Identifiers: MedGen C0950123, MeSH D030342.

Submission:

Ambry Genetics
Classification: Uncertain significance for Inborn genetic diseases. Last evaluated: 2022-07-08. Review status: criteria provided, single submitter. Criteria: Ambry Variant Classification Scheme 2023. Collection method: clinical testing. Allele origin: germline.
Comment: The p.D836Y variant (also known as c.2506G>T), located in coding exon 11 of the ATR gene, results from a G to T substitution at nucleotide position 2506. The aspartic acid at codon 836 is replaced by tyrosine, an amino acid with highly dissimilar properties. This amino acid position is conserved. In addition, this alteration is predicted to be tolerated by in silico analysis. Since supporting evidence is limited at this time, the clinical significance of this alteration remains unclear.

NM_001184.4(ATR):c.2506G>T (p.Asp836Tyr)

Gene: ATR (ATR checkpoint kinase; minus strand). Cytogenetic location: 3q23.
Variant type: single nucleotide variant.
Coding change: c.2506G>T on transcript NM_001184.4 (MANE Select); coding-DNA position 2506, G replaced by T.
Protein change: p.Asp836Tyr; replaces aspartic acid 836 with tyrosine.
Molecular consequence: missense variant.
Genome position (GRCh38, 1-based): chr3:142,553,851, C>A on the plus strand (G>T on the coding strand, the complement: ATR is on the minus strand). VCF-style: chr3-142553851-C-A. GRCh37 (hg19) VCF-style: chr3-142272693-C-A.
Other names: c.2314G>T, p.Asp772Tyr (NM_001354579.2); short protein forms D836Y, D772Y.
Identifiers: ClinVar variation 1792319 (VCV001792319.2), dbSNP rs2108465080, ClinGen allele CA354816261.
Genomic context (GRCh38, chr3:142,553,851, plus strand): 5'-GTAAACTCAAATGTTAAAAACAAAAATTATCAACCTCCTTTATAAATCCATCTTCAGAGT[C>A]CAAGGATTCCAATATGTGCTTGATATTTCCACTAAAAGCCACTCTAACATCTTTGTCTGG-3'
Protein context (NP_001175.2, residues 826-846): GNIKHILESL[Asp836Tyr]SEDGFIKELF